The following is an entry in ClinVar:

ClinVar aggregate classification (germline): Uncertain significance. Review status: criteria provided, multiple submitters, no conflicts (2 of 4 stars). 3 submissions from 3 submitters: Uncertain significance (3). Last evaluated 2026-06-15.

Conditions:
Spastic paraplegia. Identifiers: MedGen C0037772, HP:0001258.

Allele frequency attached by ClinVar (database versions not stated): gnomAD exomes 0.00001 and below 0.00001; gnomAD 0.00003; ExAC 0.00001; TOPMed 0.00003.
gnomAD v4.1: 6 of 1,211,272 alleles (0.0005%); highest among the groups gnomAD compares: Non-Finnish European, 0.00056%; no homozygotes.

Submissions (3):

Women's Health and Genetics/Laboratory Corporation of America, LabCorp
Classification: Uncertain significance. Last evaluated: 2026-06-15. Review status: criteria provided, single submitter. Criteria: LabCorp Variant Classification Summary - May 2015. Collection method: clinical testing. Allele origin: germline.
Comment: Variant summary: KDM5C c.3881A>G (p.Gln1294Arg) results in a conservative amino acid change in the encoded protein sequence. Algorithms developed to predict the effect of missense changes on protein structure and function all suggest that this variant is likely to be tolerated. The variant allele was found at a frequency of 1.1e-05 in 182064 control chromosomes. The available data on variant occurrences in the general population are insufficient to allow any conclusion about variant significance. To our knowledge, no occurrence of c.3881A>G in individuals affected with KDM5C-related conditions and no experimental evidence demonstrating its impact on protein function have been reported. ClinVar contains an entry for this variant (Variation ID: 1696945). Based on the evidence outlined above, the variant was classified as uncertain significance.

Labcorp Genetics (formerly Invitae), Labcorp
Classification: Uncertain significance for Spastic paraplegia. Last evaluated: 2024-11-03. Review status: criteria provided, single submitter. Criteria: Invitae Variant Classification Sherloc (09022015). Collection method: clinical testing. Allele origin: germline.
Comment: This sequence change replaces glutamine, which is neutral and polar, with arginine, which is basic and polar, at codon 1294 of the KDM5C protein (p.Gln1294Arg). This variant is present in population databases (rs782320563, gnomAD 0.002%). This variant has not been reported in the literature in individuals affected with KDM5C-related conditions. ClinVar contains an entry for this variant (Variation ID: 1696945). Invitae Evidence Modeling of protein sequence and biophysical properties (such as structural, functional, and spatial information, amino acid conservation, physicochemical variation, residue mobility, and thermodynamic stability) indicates that this missense variant is not expected to disrupt KDM5C protein function with a negative predictive value of 95%. In summary, the available evidence is currently insufficient to determine the role of this variant in disease. Therefore, it has been classified as a Variant of Uncertain Significance.

GeneDx
Classification: Uncertain significance. Last evaluated: 2022-01-18. Review status: criteria provided, single submitter. Criteria: GeneDx Variant Classification Process June 2021. Collection method: clinical testing. Allele origin: germline. Affected: yes.
Comment: In silico analysis supports that this missense variant has a deleterious effect on protein structure/function; Has not been previously published as pathogenic or benign to our knowledge

NM_004187.5(KDM5C):c.3881A>G (p.Gln1294Arg)

Gene: KDM5C (lysine demethylase 5C; minus strand). Cytogenetic location: Xp11.22.
Variant type: single nucleotide variant.
Coding change: c.3881A>G on transcript NM_004187.5 (MANE Select); coding-DNA position 3881, A replaced by G.
Protein change: p.Gln1294Arg; replaces glutamine 1294 with arginine.
Molecular consequence: missense variant. On other transcripts: non-coding transcript variant (3).
Genome position (GRCh38, 1-based): chrX:53,194,296, T>C on the plus strand (A>G on the coding strand, the complement: KDM5C is on the minus strand). VCF-style: chrX-53194296-T-C. GRCh37 (hg19) VCF-style: chrX-53223478-T-C.
Other names: c.3680A>G, p.Gln1227Arg (NM_001146702.2); c.3878A>G, p.Gln1293Arg (NM_001282622.3, NM_001353979.2, NM_001353982.2); c.3881A>G, p.Gln1294Arg (NM_001353978.3, NM_001353981.2, NM_001353984.2); short protein forms Q1227R, Q1293R, Q1294R.
Identifiers: ClinVar variation 1696945 (VCV001696945.6), dbSNP rs782320563, ClinGen allele CA10419175.